The following is an entry in ClinVar:

ClinVar aggregate classification (germline): Likely benign (0 of 4 stars; one submission).

Conditions:
ITGA3-related disorder. Also called: ITGA3-related condition.

Allele frequency attached by ClinVar (database versions not stated): TOPMed 0.00002; gnomAD 0.00003; gnomAD exomes 0.00005; ExAC 0.00009.
gnomAD v4.1: 71 of 1,609,562 alleles (0.0044%); highest among the groups gnomAD compares: South Asian, 0.066%; no homozygotes.

Submission:

PreventionGenetics, part of Exact Sciences
Classification: Likely benign for ITGA3-related condition. Last evaluated: 2021-04-23. Review status: no assertion criteria provided. Collection method: clinical testing. Allele origin: germline.
Comment: This variant is classified as likely benign based on ACMG/AMP sequence variant interpretation guidelines (Richards et al. 2015 PMID: 25741868, with internal and published modifications).

NM_002204.4(ITGA3):c.936C>T (p.Ala312=)

Gene: ITGA3 (integrin subunit alpha 3; plus strand). Cytogenetic location: 17q21.33.
Variant type: single nucleotide variant.
Coding change: c.936C>T on transcript NM_002204.4 (MANE Select); coding-DNA position 936, C replaced by T.
Protein change: p.Ala312=; no amino-acid change (alanine 312 retained).
Molecular consequence: synonymous variant.
Genome position (GRCh38, 1-based): chr17:50,071,495, C>T. VCF-style: chr17-50071495-C-T. GRCh37 (hg19) VCF-style: chr17-48148859-C-T.
Identifiers: ClinVar variation 3036535 (VCV003036535.2), dbSNP rs771016039, ClinGen allele CA8641381.
Genomic context (GRCh38, chr17:50,071,495, plus strand): 5'-GCGGAGGAGGCAGGTGCTGGAGGGCTCGCAGGTGGGCGCCTATTTTGGCAGCGCCATTGC[C>T]CTGGCAGACCTGAACAATGATGGGTGAGAATCTAGGGACATCCTCTGGGGCCAGGGAGAG-3'
Protein context (NP_002195.1, residues 302-322): QVGAYFGSAI[Ala312=]LADLNNDGWQ